The following is an entry in ClinVar:

ClinVar aggregate classification (germline): Conflicting classifications of pathogenicity. Review status: criteria provided, conflicting classifications (1 of 4 stars). 2 submissions from 2 submitters: Uncertain significance (1); Likely benign (1). Last evaluated 2026-04-02.

Submissions (2):

GeneDx
Classification: Uncertain significance. Last evaluated: 2026-04-02. Review status: criteria provided, single submitter. Criteria: GeneDx Variant Classification Process June 2021. Collection method: clinical testing. Allele origin: germline.
Comment: Has not been previously published as pathogenic or benign to our knowledge; In silico analysis is inconclusive as to whether the variant alters gene splicing. In the absence of RNA/functional studies, the actual effect of this sequence change is unknown

Labcorp Genetics (formerly Invitae), Labcorp
Classification: Likely benign. Last evaluated: 2025-07-21. Review status: criteria provided, single submitter. Criteria: Invitae Variant Classification Sherloc (09022015). Collection method: clinical testing. Allele origin: germline.

NM_002470.4(MYH3):c.4523-12_4523-9del

Gene: MYH3 (myosin heavy chain 3; minus strand). Cytogenetic location: 17p13.1.
Variant type: Microsatellite.
Coding change: c.4523-12_4523-9del on transcript NM_002470.4 (MANE Select); 12 bases into the intron before coding-DNA position 4523 through 9 bases into the intron before coding-DNA position 4523, 4 bases deleted (ACTT; older notation c.4523-12_4523-9delACTT).
Molecular consequence: intron variant.
Genome position (GRCh38, 1-based): chr17:10,633,724-10,633,727, AAGT deleted on the plus strand (ACTT on the coding strand, the reverse complement: MYH3 is on the minus strand); deleting any 4 consecutive bases within chr17:10,633,724-10,633,731 gives the same sequence; the c. name uses the placement nearest the transcript's 3' end. VCF-style (leftmost placement, unchanged base first): chr17-10633723-GAAGT-G. GRCh37 (hg19) VCF-style: chr17-10537040-GAAGT-G.
Identifiers: ClinVar variation 1928937 (VCV001928937.6), dbSNP rs763178595, ClinGen allele CA8392187.